The following is an entry in ClinVar:

ClinVar aggregate classification (germline): Pathogenic (1 of 4 stars; one submission).

Conditions:
Febrile seizures, familial, 8 (FEB8). Also called: CONVULSIONS, FAMILIAL FEBRILE, 8. Identifiers: Orphanet 36387, MedGen C1969810, MONDO:0011891, OMIM 607681.
EPILEPSY, CHILDHOOD ABSENCE, SUSCEPTIBILITY TO, 2 (ECA2). Identifiers: Orphanet 64280, MedGen C1843244, OMIM 607681.

Submission:

Labcorp Genetics (formerly Invitae), Labcorp
Classification: Pathogenic for Febrile seizures, familial, 8; EPILEPSY, CHILDHOOD ABSENCE, SUSCEPTIBILITY TO, 2. Last evaluated: 2017-10-18. Review status: criteria provided, single submitter. Criteria: Invitae Variant Classification Sherloc (09022015). Collection method: clinical testing. Allele origin: germline.
Comment: This variant is not present in population databases (ExAC no frequency). This sequence change creates a premature translational stop signal (p.Gly273*) in the GABRG2 gene. It is expected to result in an absent or disrupted protein product. This variant has not been reported in the literature in individuals with GABRG2-related disease. Loss-of-function variants in GABRG2 are known to be pathogenic (PMID: 22539854, 22750526, 23720301, 24407264). For these reasons, this variant has been classified as Pathogenic.

Literature cited by the submitters: PubMed 22539854; PubMed 22750526; PubMed 23720301; PubMed 24407264.

NM_198904.4(GABRG2):c.817G>T (p.Gly273Ter)

Gene: GABRG2 (gamma-aminobutyric acid type A receptor subunit gamma2; plus strand). Cytogenetic location: 5q34.
Variant type: single nucleotide variant.
Coding change: c.817G>T on transcript NM_198904.4 (MANE Select); coding-DNA position 817, G replaced by T.
Protein change: p.Gly273Ter; replaces glycine 273 with a stop codon.
Molecular consequence: nonsense.
Genome position (GRCh38, 1-based): chr5:162,142,211, G>T. VCF-style: chr5-162142211-G-T. GRCh37 (hg19) VCF-style: chr5-161569217-G-T.
Other names: c.817G>T, p.Gly273Ter (NM_000816.3, NM_001375340.1); c.808G>T, p.Gly270Ter (NM_001375339.1); c.814G>T, p.Gly272Ter (NM_001375341.1, NM_001375342.1); c.937G>T, p.Gly313Ter (NM_001375343.1, NM_198903.2); c.856G>T, p.Gly286Ter (NM_001375344.1); c.751G>T, p.Gly251Ter (NM_001375345.1, NM_001375346.1); c.730G>T, p.Gly244Ter (NM_001375347.1); c.397G>T, p.Gly133Ter (NM_001375348.1, NM_001375350.1); and 1 more; short protein forms G273*, G313*, G133*, G178*, G244*, G251*, G270*, G272*.
Identifiers: ClinVar variation 468869 (VCV000468869.7), dbSNP rs1469287853, ClinGen allele CA362182047.